The following is an entry in ClinVar:

NM_014362.4(HIBCH):c.913A>G (p.Thr305Ala)

Gene: HIBCH (3-hydroxyisobutyryl-CoA hydrolase; minus strand). Cytogenetic location: 2q32.2.
Variant type: single nucleotide variant.
Coding change: c.913A>G on transcript NM_014362.4 (MANE Select); coding-DNA position 913, A replaced by G.
Protein change: p.Thr305Ala; replaces threonine 305 with alanine.
Molecular consequence: missense variant.
Genome position (GRCh38, 1-based): chr2:190,213,054, T>C on the plus strand (A>G on the coding strand, the complement: HIBCH is on the minus strand). VCF-style: chr2-190213054-T-C. GRCh37 (hg19) VCF-style: chr2-191077780-T-C.
Other names: c.913A>G, p.Thr305Ala (NM_198047.3); short protein forms T305A.
Identifiers: ClinVar variation 987063 (VCV000987063.5), dbSNP rs558397748, ClinGen allele CA62635843.

ClinVar aggregate classification (germline): Pathogenic/Likely pathogenic. Review status: criteria provided, multiple submitters, no conflicts (2 of 4 stars). 3 submissions from 3 submitters: Pathogenic (1); Likely pathogenic (2). Last evaluated 2025-03-26.

Conditions:
3-hydroxyisobutyryl-CoA hydrolase deficiency. Also called: VALINE METABOLIC DEFECT; HIBCH DEFICIENCY; METHACRYLIC ACID TOXICITY; METHACRYLIC ACIDURIA; Reduced circulating 3-hydroxyisobutyryl-CoA hydrolase activity; Deficiency of 3-hydroxyisobutyryl CoA hydrolase. Identifiers: Orphanet 88639, MedGen C0342738, MONDO:0009603, OMIM 250620, HP:6000215.

Allele frequency attached by ClinVar (database versions not stated): 1000 Genomes Project 30x 0.00016; 1000 Genomes Project 0.00020; TOPMed below 0.00001; gnomAD 0.00001; gnomAD exomes 0.00001.
gnomAD v4.1: 15 of 1,608,644 alleles (0.00093%); highest among the groups gnomAD compares: Middle Eastern, 0.017%; no homozygotes.

Submissions (3):

First Genomix Gene Laboratory, Genetic Diagnostics Department
Classification: Likely pathogenic for 3-hydroxyisobutyryl-CoA hydrolase deficiency. Last evaluated: 2025-03-26. Review status: criteria provided, single submitter. Criteria: ACMG Guidelines, 2015. Collection method: clinical testing. Allele origin: germline. Inheritance: Autosomal recessive inheritance. Affected: no. Observed: 1 variant allele.

Labcorp Genetics (formerly Invitae), Labcorp
Classification: Pathogenic for 3-hydroxyisobutyryl-CoA hydrolase deficiency. Last evaluated: 2025-01-13. Review status: criteria provided, single submitter. Criteria: Invitae Variant Classification Sherloc (09022015). Collection method: clinical testing. Allele origin: germline.
Comment: This sequence change replaces threonine, which is neutral and polar, with alanine, which is neutral and non-polar, at codon 305 of the HIBCH protein (p.Thr305Ala). This variant is present in population databases (rs558397748, gnomAD 0.002%). This missense change has been observed in individual(s) with HIBCH-related conditions (PMID: 27400804, 30847210, 32334381, 32677093, 36200804). It has also been observed to segregate with disease in related individuals. ClinVar contains an entry for this variant (Variation ID: 987063). Invitae Evidence Modeling of protein sequence and biophysical properties (such as structural, functional, and spatial information, amino acid conservation, physicochemical variation, residue mobility, and thermodynamic stability) indicates that this missense variant is not expected to disrupt HIBCH protein function with a negative predictive value of 80%. For these reasons, this variant has been classified as Pathogenic.

Institute of Medical Genetics and Applied Genomics, University Hospital Tübingen
Classification: Likely pathogenic. Last evaluated: 2020-10-23. Review status: criteria provided, single submitter. Criteria: ACMG Guidelines, 2015. Collection method: clinical testing. Allele origin: germline. Inheritance: Autosomal recessive inheritance. Affected: yes.

Literature cited by the submitters: PubMed 27400804 (cited by Labcorp Genetics (formerly Invitae), Labcorp); PubMed 30847210 (cited by Labcorp Genetics (formerly Invitae), Labcorp); PubMed 32334381 (cited by Labcorp Genetics (formerly Invitae), Labcorp); PubMed 32677093 (cited by Labcorp Genetics (formerly Invitae), Labcorp); PubMed 36200804 (cited by Labcorp Genetics (formerly Invitae), Labcorp).